The following is an entry in ClinVar:

ClinVar aggregate classification (germline): Likely benign (1 of 4 stars; one submission).

Allele frequency attached by ClinVar (database versions not stated): TOPMed below 0.00001.

Submission:

GeneDx
Classification: Likely benign. Last evaluated: 2017-09-29. Review status: criteria provided, single submitter. Criteria: GeneDx Variant Classification (06012015). Collection method: clinical testing. Allele origin: germline. Affected: yes.
Comment: This variant is considered likely benign or benign based on one or more of the following criteria: it is a conservative change, it occurs at a poorly conserved position in the protein, it is predicted to be benign by multiple in silico algorithms, and/or has population frequency not consistent with disease.

NM_003383.5(VLDLR):c.449-10C>G

Gene: VLDLR (very low density lipoprotein receptor; plus strand). Cytogenetic location: 9p24.2.
Variant type: single nucleotide variant.
Coding change: c.449-10C>G on transcript NM_003383.5 (MANE Select); 10 bases into the intron before coding-DNA position 449, C replaced by G.
Molecular consequence: intron variant.
Genome position (GRCh38, 1-based): chr9:2,643,150, C>G. VCF-style: chr9-2643150-C-G. GRCh37 (hg19) VCF-style: chr9-2643150-C-G.
Other names: c.449-10C>G (NM_001018056.3); c.326-10C>G (NM_001322225.2, NM_001322226.2).
Identifiers: ClinVar variation 512388 (VCV000512388.1), dbSNP rs1554620947, ClinGen allele CA658797188.